The following is an entry in ClinVar:

NM_000093.5(COL5A1):c.4507C>T (p.Arg1503Cys)

Genes: COL5A1 (collagen type V alpha 1 chain; plus strand), LOC101448202 (uncharacterized LOC101448202; minus strand). Cytogenetic location: 9q34.3.
Variant type: single nucleotide variant.
Coding change: c.4507C>T on transcript NM_000093.5 (MANE Select); coding-DNA position 4507, C replaced by T.
Protein change: p.Arg1503Cys; replaces arginine 1503 with cysteine.
Molecular consequence: missense variant. On other transcripts: non-coding transcript variant (1).
Genome position (GRCh38, 1-based): chr9:134,820,176, C>T. VCF-style: chr9-134820176-C-T. GRCh37 (hg19) VCF-style: chr9-137712022-C-T.
Other names: c.4507C>T, p.Arg1503Cys (NM_001278074.1); c.4507C>T (NM_000093.3); short protein forms R1503C.
Identifiers: ClinVar variation 459695 (VCV000459695.11), dbSNP rs200987038, ClinGen allele CA5320323.

ClinVar aggregate classification (germline): Conflicting classifications of pathogenicity. Review status: criteria provided, conflicting classifications (1 of 4 stars). 2 submissions from 2 submitters: Uncertain significance (1); Likely benign (1). Last evaluated 2026-04-09.

Conditions:
Ehlers-Danlos syndrome, classic type, 1 (EDSCL1). Also called: EHLERS-DANLOS SYNDROME, GRAVIS TYPE; EHLERS-DANLOS SYNDROME, SEVERE CLASSIC TYPE; EDS I; Ehlers-Danlos Syndrome, Classic Type, COL5A1-Related; Ehlers-Danlos syndrome, type 1. Identifiers: MedGen C0268335, MONDO:0019567, OMIM 130000.
Familial thoracic aortic aneurysm and aortic dissection (TAAD). Also called: Thoracic aortic aneurysms and dissections. Identifiers: Orphanet 91387, MedGen C4707243, MONDO:0019625.

Allele frequency attached by ClinVar (database versions not stated): gnomAD 0.00001; 1000 Genomes Project 30x 0.00031; gnomAD exomes 0.00002; 1000 Genomes Project 0.00020; ExAC 0.00003.

Submissions (2):

Ambry Genetics
Classification: Uncertain significance for Familial thoracic aortic aneurysm and aortic dissection. Last evaluated: 2026-04-09. Review status: criteria provided, single submitter. Criteria: Ambry Variant Classification Scheme 2023. Collection method: clinical testing. Allele origin: germline.
Comment: The p.R1503C variant (also known as c.4507C>T), located in coding exon 58 of the COL5A1 gene, results from a C to T substitution at nucleotide position 4507. The arginine at codon 1503 is replaced by cysteine, an amino acid with highly dissimilar properties. This amino acid position is conserved. In addition, this alteration is predicted to be deleterious by in silico analysis. Based on the available evidence, the clinical significance of this variant remains unclear.

Labcorp Genetics (formerly Invitae), Labcorp
Classification: Likely benign for Ehlers-Danlos syndrome, classic type, 1. Last evaluated: 2026-01-13. Review status: criteria provided, single submitter. Criteria: Invitae Variant Classification Sherloc (09022015). Collection method: clinical testing. Allele origin: germline.